The following is an entry in ClinVar:

ClinVar aggregate classification (germline): Uncertain significance (1 of 4 stars; one submission).

Conditions:
Achromatopsia 3 (ACHM3). Also called: PINGELAPESE BLINDNESS; TOTAL COLORBLINDNESS WITH MYOPIA; ROD MONOCHROMACY 1; ROD MONOCHROMATISM 1; ACHROMATOPSIA WITH MYOPIA. Identifiers: Orphanet 49382, MedGen C1849792, MONDO:0009875, OMIM 262300.

Submission:

Myriad Genetics, Inc.
Classification: Uncertain significance for Achromatopsia 3. Last evaluated: 2026-01-27. Review status: criteria provided, single submitter. Criteria: Myriad Autosomal Dominant, Autosomal Recessive and X-Linked Classification Criteria (2023). Collection method: clinical testing. Allele origin: unknown.
Comment: NM_019098.4(CNGB3):c.853-2A>G is a variant in a canonical splice site classified as a variant of uncertain significance in the context of achromatopsia, CNGB3-related. c.853-2A>G has not been observed in cases with relevant disease. Relevant functional assessments of this variant are not available in the literature. c.853-2A>G has not been observed in referenced population frequency databases. In summary, there is insufficient evidence to classify NM_019098.4(CNGB3):c.853-2A>G as pathogenic or benign. Please note: this variant was assessed in the context of healthy population screening.

NM_019098.5(CNGB3):c.853-2A>G

Gene: CNGB3 (cyclic nucleotide gated channel subunit beta 3; minus strand). Cytogenetic location: 8q21.3.
Variant type: single nucleotide variant.
Coding change: c.853-2A>G on transcript NM_019098.5 (MANE Select); the canonical splice acceptor site of the intron before coding-DNA position 853, A replaced by G.
Molecular consequence: splice acceptor variant.
Genome position (GRCh38, 1-based): chr8:86,654,064, T>C on the plus strand (A>G on the coding strand, the complement: CNGB3 is on the minus strand). VCF-style: chr8-86654064-T-C. GRCh37 (hg19) VCF-style: chr8-87666292-T-C.
Identifiers: ClinVar variation 5003901 (VCV005003901.1).